The following is an entry in ClinVar:

ClinVar aggregate classification (germline): Benign (0 of 4 stars; one submission).

Conditions:
KRT6B-related disorder. Also called: KRT6B-related condition.

Allele frequency attached by ClinVar (database versions not stated): ExAC 0.00028; ESP Exome Variant Server 0.00031; 1000 Genomes Project 0.03115.

Submission:

PreventionGenetics, part of Exact Sciences
Classification: Benign for KRT6B-related condition. Last evaluated: 2024-01-03. Review status: no assertion criteria provided. Collection method: clinical testing. Allele origin: germline.
Comment: This variant is classified as benign based on ACMG/AMP sequence variant interpretation guidelines (Richards et al. 2015 PMID: 25741868, with internal and published modifications).

NM_005555.4(KRT6B):c.183G>A (p.Leu61=)

Gene: KRT6B (keratin 6B; minus strand). Cytogenetic location: 12q13.13.
Variant type: single nucleotide variant.
Coding change: c.183G>A on transcript NM_005555.4 (MANE Select); coding-DNA position 183, G replaced by A.
Protein change: p.Leu61=; no amino-acid change (leucine 61 retained).
Molecular consequence: synonymous variant.
Genome position (GRCh38, 1-based): chr12:52,451,896, C>T on the plus strand (G>A on the coding strand, the complement: KRT6B is on the minus strand). VCF-style: chr12-52451896-C-T. GRCh37 (hg19) VCF-style: chr12-52845680-C-T.
Identifiers: ClinVar variation 3037986 (VCV003037986.2), dbSNP rs368087535, ClinGen allele CA6580917.